The following is an entry in ClinVar:

NM_015015.3(KDM4B):c.2811T>G (p.Cys937Trp)

Gene: KDM4B (lysine demethylase 4B; plus strand). Cytogenetic location: 19p13.3.
Variant type: single nucleotide variant.
Coding change: c.2811T>G on transcript NM_015015.3 (MANE Select); coding-DNA position 2811, T replaced by G.
Protein change: p.Cys937Trp; replaces cysteine 937 with tryptophan.
Molecular consequence: missense variant.
Genome position (GRCh38, 1-based): chr19:5,144,322, T>G. VCF-style: chr19-5144322-T-G. GRCh37 (hg19) VCF-style: chr19-5144333-T-G.
Other names: c.2913T>G, p.Cys971Trp (NM_001411148.1); short protein forms C937W, C971W.
Identifiers: ClinVar variation 4756018 (VCV004756018.1).

ClinVar aggregate classification (germline): Uncertain significance (1 of 4 stars; one submission).

gnomAD v4.1: 1 of 1,574,078 alleles (0.000064%); highest among the groups gnomAD compares: Non-Finnish European, 0.000086%; no homozygotes.

Submission:

GeneDx
Classification: Uncertain significance. Last evaluated: 2025-08-07. Review status: criteria provided, single submitter. Criteria: GeneDx Variant Classification Process June 2021. Collection method: clinical testing. Allele origin: germline. Affected: yes.
Comment: Not observed at significant frequency in large population cohorts (gnomAD); In silico analysis supports that this missense variant has a deleterious effect on protein structure/function; Has not been previously published as pathogenic or benign to our knowledge